The following is an entry in ClinVar:

ClinVar aggregate classification (germline): Uncertain significance. Review status: criteria provided, multiple submitters, no conflicts (2 of 4 stars). 2 submissions from 2 submitters: Uncertain significance (2). Last evaluated 2024-01-17.

Conditions:
Inborn genetic diseases. Identifiers: MedGen C0950123, MeSH D030342.

Allele frequency attached by ClinVar (database versions not stated): ExAC 0.00001; gnomAD exomes 0.00002; TOPMed 0.00003; gnomAD 0.00004; ESP Exome Variant Server 0.00008.
gnomAD v4.1: 42 of 1,613,942 alleles (0.0026%); highest among the groups gnomAD compares: African/African-American, 0.0093%; no homozygotes.

Submissions (2):

Ambry Genetics
Classification: Uncertain significance for Inborn genetic diseases. Last evaluated: 2024-01-17. Review status: criteria provided, single submitter. Criteria: Ambry Variant Classification Scheme 2023. Collection method: clinical testing. Allele origin: germline.

Labcorp Genetics (formerly Invitae), Labcorp
Classification: Uncertain significance. Last evaluated: 2023-12-06. Review status: criteria provided, single submitter. Criteria: Invitae Variant Classification Sherloc (09022015). Collection method: clinical testing. Allele origin: germline.
Comment: This sequence change replaces tyrosine, which is neutral and polar, with cysteine, which is neutral and slightly polar, at codon 602 of the PCDH15 protein (p.Tyr602Cys). This variant is present in population databases (rs377107868, gnomAD 0.007%). This variant has not been reported in the literature in individuals affected with PCDH15-related conditions. ClinVar contains an entry for this variant (Variation ID: 1937345). Advanced modeling of protein sequence and biophysical properties (such as structural, functional, and spatial information, amino acid conservation, physicochemical variation, residue mobility, and thermodynamic stability) performed at Invitae indicates that this missense variant is expected to disrupt PCDH15 protein function with a positive predictive value of 80%. In summary, the available evidence is currently insufficient to determine the role of this variant in disease. Therefore, it has been classified as a Variant of Uncertain Significance.

NM_001384140.1(PCDH15):c.1805A>G (p.Tyr602Cys)

Gene: PCDH15 (protocadherin related 15; minus strand). Cytogenetic location: 10q21.1.
Variant type: single nucleotide variant.
Coding change: c.1805A>G on transcript NM_001384140.1 (MANE Select); coding-DNA position 1805, A replaced by G.
Protein change: p.Tyr602Cys; replaces tyrosine 602 with cysteine.
Molecular consequence: missense variant. On other transcripts: intron variant (1).
Genome position (GRCh38, 1-based): chr10:54,132,987, T>C on the plus strand (A>G on the coding strand, the complement: PCDH15 is on the minus strand). VCF-style: chr10-54132987-T-C. GRCh37 (hg19) VCF-style: chr10-55892747-T-C.
Other names: c.1820A>G, p.Tyr607Cys (NM_001142763.2, NM_001142771.2); c.1805A>G, p.Tyr602Cys (NM_001142764.2, NM_001142766.2, NM_001142770.3 and 5 more transcripts); c.1694A>G, p.Tyr565Cys (NM_001142767.2); c.1739A>G, p.Tyr580Cys (NM_001142768.2, NM_001142773.2, NM_001354404.2); c.1841A>G, p.Tyr614Cys (NM_001142769.4); c.1826A>G, p.Tyr609Cys (NM_001354411.2); c.1784+20113A>G (NM_001142765.2); short protein forms Y607C, Y614C, Y580C, Y602C, Y565C, Y609C.
Identifiers: ClinVar variation 1937345 (VCV001937345.4), dbSNP rs377107868, ClinGen allele CA5506252.